The following is an entry in ClinVar:

ClinVar aggregate classification (germline): Pathogenic. Review status: criteria provided, multiple submitters, no conflicts (2 of 4 stars). 2 submissions from 2 submitters: Pathogenic (2). Last evaluated 2023-09-11.

Conditions:
Hereditary cancer-predisposing syndrome. Also called: Tumor predisposition; Neoplastic Syndromes, Hereditary; Hereditary Cancer Syndrome; Hereditary neoplastic syndrome. Identifiers: Orphanet 140162, MedGen C0027672, MeSH D009386, MONDO:0015356.
Hereditary breast ovarian cancer syndrome. Also called: Breast and ovarian cancer; Hereditary breast and/or ovarian cancer syndrome; BRCA1- and BRCA2-Associated Hereditary Breast and Ovarian Cancer; Hereditary breast and ovarian cancer syndrome; Hereditary breast and ovarian cancer; Hereditary breast and ovarian cancer syndrome (HBOC). Identifiers: Orphanet 145, MedGen C0677776, MeSH D061325, MONDO:0003582. Disease mechanism: loss of function.

Submissions (2):

Labcorp Genetics (formerly Invitae), Labcorp
Classification: Pathogenic for Hereditary breast ovarian cancer syndrome. Last evaluated: 2023-09-11. Review status: criteria provided, single submitter. Criteria: Invitae Variant Classification Sherloc (09022015). Collection method: clinical testing. Allele origin: germline.
Comment: This sequence change creates a premature translational stop signal (p.Asn108Metfs*13) in the BRCA2 gene. It is expected to result in an absent or disrupted protein product. Loss-of-function variants in BRCA2 are known to be pathogenic (PMID: 20104584). This variant is not present in population databases (gnomAD no frequency). This variant has not been reported in the literature in individuals affected with BRCA2-related conditions. ClinVar contains an entry for this variant (Variation ID: 1729277). Algorithms developed to predict the effect of sequence changes on RNA splicing suggest that this variant may create or strengthen a splice site. For these reasons, this variant has been classified as Pathogenic.

Ambry Genetics
Classification: Pathogenic for Hereditary cancer-predisposing syndrome. Last evaluated: 2020-04-10. Review status: criteria provided, single submitter. Criteria: Ambry Variant Classification Scheme 2023. Collection method: clinical testing. Allele origin: germline.
Comment: The c.323delA pathogenic mutation, located in coding exon 3 of the BRCA2 gene, results from a deletion of one nucleotide at nucleotide position 323, causing a translational frameshift with a predicted alternate stop codon (p.N108Mfs*13). This alteration is expected to result in loss of function by premature protein truncation or nonsense-mediated mRNA decay. As such, this alteration is interpreted as a disease-causing mutation.

Literature cited by the submitters: PubMed 20104584 (cited by Labcorp Genetics (formerly Invitae), Labcorp).

NM_000059.4(BRCA2):c.323del (p.Asn108fs)

Gene: BRCA2 (BRCA2 DNA repair associated; plus strand). Cytogenetic location: 13q13.1.
Variant type: Deletion.
Coding change: c.323del on transcript NM_000059.4 (MANE Select); coding-DNA position 323, one base deleted (A; older notation c.323delA).
Protein change: p.Asn108fs; shifts the reading frame from asparagine 108.
Molecular consequence: frameshift variant.
Genome position (GRCh38, 1-based): chr13:32,325,082, A deleted; the last of 2 consecutive A bases (chr13:32,325,081-32,325,082); deleting either gives the same sequence. VCF-style (leftmost placement, unchanged base first): chr13-32325080-GA-G. GRCh37 (hg19) VCF-style: chr13-32899217-GA-G.
Other names: c.323delA, p.Asn108Metfs (NM_001406719.1, NM_001406720.1, NM_001406721.1); c.-47delA (NM_001406722.1); short protein forms N108fs.
Identifiers: ClinVar variation 1729277 (VCV001729277.5), dbSNP rs2548513942, ClinGen allele CA2580086934.